The following is an entry in ClinVar:

NM_001042681.2(RERE):c.902C>T (p.Pro301Leu)

Gene: RERE (arginine-glutamic acid dipeptide repeats; minus strand). Cytogenetic location: 1p36.23.
Variant type: single nucleotide variant.
Coding change: c.902C>T on transcript NM_001042681.2 (MANE Select); coding-DNA position 902, C replaced by T.
Protein change: p.Pro301Leu; replaces proline 301 with leucine.
Molecular consequence: missense variant.
Genome position (GRCh38, 1-based): chr1:8,497,507, G>A on the plus strand (C>T on the coding strand, the complement: RERE is on the minus strand). VCF-style: chr1-8497507-G-A. GRCh37 (hg19) VCF-style: chr1-8557567-G-A.
Other names: c.902C>T, p.Pro301Leu (NM_012102.4); short protein forms P301L.
Identifiers: ClinVar variation 1800836 (VCV001800836.1), dbSNP rs1336882357, ClinGen allele CA338224091.

ClinVar aggregate classification (germline): Uncertain significance (1 of 4 stars; one submission).

Allele frequency attached by ClinVar (database versions not stated): gnomAD exomes below 0.00001; TOPMed below 0.00001.
gnomAD v4.1: 5 of 1,614,070 alleles (0.00031%); highest among the groups gnomAD compares: Non-Finnish European, 0.00042%; no homozygotes.

Submission:

GeneDx
Classification: Uncertain significance. Last evaluated: 2022-05-23. Review status: criteria provided, single submitter. Criteria: GeneDx Variant Classification Process June 2021. Collection method: clinical testing. Allele origin: germline. Affected: yes.
Comment: In silico analysis supports that this missense variant has a deleterious effect on protein structure/function; Has not been previously published as pathogenic or benign to our knowledge